The following is an entry in ClinVar:

NM_001291088.2(WDR87):c.283G>A (p.Val95Ile)

Gene: WDR87 (WD repeat domain 87; minus strand). Cytogenetic location: 19q13.13.
Variant type: single nucleotide variant.
Coding change: c.283G>A on transcript NM_001291088.2 (MANE Select); coding-DNA position 283, G replaced by A.
Protein change: p.Val95Ile; replaces valine 95 with isoleucine.
Molecular consequence: missense variant.
Genome position (GRCh38, 1-based): chr19:37,895,420, C>T on the plus strand (G>A on the coding strand, the complement: WDR87 is on the minus strand). VCF-style: chr19-37895420-C-T. GRCh37 (hg19) VCF-style: chr19-38386060-C-T.
Other names: c.166G>A, p.Val56Ile (NM_031951.5); short protein forms V95I, V56I.
Identifiers: ClinVar variation 1953832 (VCV001953832.5), dbSNP rs1480788446, ClinGen allele CA405624699.
Genomic context (GRCh38, chr19:37,895,420, plus strand): 5'-CATGGACCATGGACTGGATGGGTGGCAATCGTTCAGTCATGGAGAATGTTCTTTTCTCAA[C>T]CATGTCCTCAGTTTTGCTCTTCATCCATGCTACAGCCTAGAAGAGAATAAGAAGGAAACT-3'
Protein context (NP_001278017.1, residues 85-105): AWMKSKTEDM[Val95Ile]EKRTFSMTER

ClinVar aggregate classification (germline): Uncertain significance (1 of 4 stars; one submission).

Allele frequency attached by ClinVar (database versions not stated): TOPMed 0.00001; gnomAD 0.00003.
gnomAD v4.1: 5 of 1,551,490 alleles (0.00032%); highest among the groups gnomAD compares: Admixed American, 0.0059%; no homozygotes.

Submission:

Labcorp Genetics (formerly Invitae), Labcorp
Classification: Uncertain significance. Last evaluated: 2022-06-16. Review status: criteria provided, single submitter. Criteria: Invitae Variant Classification Sherloc (09022015). Collection method: clinical testing. Allele origin: germline.
Comment: This sequence change replaces valine, which is neutral and non-polar, with isoleucine, which is neutral and non-polar, at codon 56 of the WDR87 protein (p.Val56Ile). In summary, the available evidence is currently insufficient to determine the role of this variant in disease. Therefore, it has been classified as a Variant of Uncertain Significance. Algorithms developed to predict the effect of missense changes on protein structure and function output the following: SIFT: "Tolerated"; PolyPhen-2: "Possibly Damaging"; Align-GVGD: "Class C0". The isoleucine amino acid residue is found in multiple mammalian species, which suggests that this missense change does not adversely affect protein function. This variant has not been reported in the literature in individuals affected with WDR87-related conditions. This variant is present in population databases (no rsID available, gnomAD 0.1%).